The following is an entry in ClinVar:

NM_000528.4(MAN2B1):c.1922TCT[1] (p.Phe642del)

Gene: MAN2B1 (mannosidase alpha class 2B member 1; minus strand). Cytogenetic location: 19p13.13.
Variant type: Microsatellite.
Coding change: c.1922TCT[1] on transcript NM_000528.4 (MANE Select); one copy of the 3-base unit TCT starting at c.1922; the reference has two copies in a row; one copy, 3 bases deleted.
Protein change: p.Phe642del; deletes phenylalanine 642.
Molecular consequence: inframe deletion.
Genome position (GRCh38, 1-based): chr19:12,652,364-12,652,366, AGA deleted on the plus strand (TCT on the coding strand, the reverse complement: MAN2B1 is on the minus strand); deleting any 3 consecutive bases within chr19:12,652,364-12,652,371 gives the same sequence; the position shown is the placement nearest the transcript's 3' end. VCF-style (leftmost placement, unchanged base first): chr19-12652363-CAGA-C. GRCh37 (hg19) VCF-style: chr19-12763177-CAGA-C.
Other names: c.1919TCT[1], p.Phe641del (NM_001173498.2); short protein forms F642del, F641del.
Identifiers: ClinVar variation 558498 (VCV000558498.29), dbSNP rs779241409, ClinGen allele CA9226275.

ClinVar aggregate classification (germline): Likely pathogenic. Review status: criteria provided, single submitter (1 of 4 stars). 2 submissions from 2 submitters: Likely pathogenic (1). 1 of the submissions does not count toward it. Last evaluated 2023-06-01.

Conditions:
Deficiency of alpha-mannosidase (MANSA). Also called: LYSOSOMAL ALPHA-D-MANNOSIDASE DEFICIENCY; Alpha-Mannosidosis; Mannosidosis, alpha-, types I and II. Identifiers: Orphanet 61, MedGen C0024748, MONDO:0009561, OMIM 248500.

Submissions (2):

CeGaT Center for Human Genetics Tuebingen
Classification: Likely pathogenic. Last evaluated: 2023-06-01. Review status: criteria provided, single submitter. Criteria: CeGaT Center For Human Genetics Tuebingen Variant Classification Criteria Version 2. Collection method: clinical testing. Allele origin: germline. Affected: yes. Observed: 3 variant alleles.
Comment: MAN2B1: PM2, PP4:Moderate, PM3:Supporting, PM4:Supporting

Counsyl
Classification: Uncertain significance for Deficiency of alpha-mannosidase. Last evaluated: 2018-05-23. Review status: no assertion criteria provided. Collection method: clinical testing. Allele origin: unknown. Not counted in ClinVar's aggregate classification.